The following is an entry in ClinVar:

NM_000540.3(RYR1):c.1875G>T (p.Leu625=)

Gene: RYR1 (ryanodine receptor 1; plus strand). Cytogenetic location: 19q13.2.
Variant type: single nucleotide variant.
Coding change: c.1875G>T on transcript NM_000540.3 (MANE Select); coding-DNA position 1875, G replaced by T.
Protein change: p.Leu625=; no amino-acid change (leucine 625 retained).
Molecular consequence: synonymous variant.
Genome position (GRCh38, 1-based): chr19:38,457,580, G>T. VCF-style: chr19-38457580-G-T. GRCh37 (hg19) VCF-style: chr19-38948220-G-T.
Other names: c.1875G>T, p.Leu625= (NM_001042723.2).
Identifiers: ClinVar variation 1670695 (VCV001670695.9), dbSNP rs1325279684, ClinGen allele CA507243479.

ClinVar aggregate classification (germline): Likely benign. Review status: criteria provided, multiple submitters, no conflicts (2 of 4 stars). 2 submissions from 2 submitters: Likely benign (2). Last evaluated 2023-12-13.

Conditions:
RYR1-related disorder. Also called: RYR1-related disorders; RYR1-related condition. Identifiers: MedGen CN239331.
Malignant hyperthermia, susceptibility to, 1 (MHS1). Also called: Malignant hyperthermia suceptibility 1; Anesthesia related hyperthermia; Malignant hyperpyrexia; Fulminating hyperpyrexia; Pharmacogenic myopathy; RYR1-Related Malignant Hyperthermia Susceptibility. Identifiers: Orphanet 423, MedGen C2930980, MONDO:0007783, OMIM 145600.

Allele frequency attached by ClinVar (database versions not stated): gnomAD exomes below 0.00001.
gnomAD v4.1: 3 of 1,614,148 alleles (0.00019%); highest among the groups gnomAD compares: African/African-American, 0.0027%; 1 homozygote.

Submissions (2):

All of Us Research Program, National Institutes of Health
Classification: Likely benign for Malignant hyperthermia, susceptibility to, 1. Last evaluated: 2023-12-13. Review status: criteria provided, single submitter. Criteria: ACMG Guidelines, 2015. Collection method: clinical testing. Allele origin: germline. Inheritance: Autosomal dominant inheritance. Observed: 1 variant allele, 1 heterozygote.
Comment: This study involves interpretation of variants in research participants for the purpose of population health screening. Participant phenotype was not available at the time of variant classification. Additional details can be found in publication PMID: 35346344, PMCID: PMC8962531

Labcorp Genetics (formerly Invitae), Labcorp
Classification: Likely benign for RYR1-related disorder. Last evaluated: 2022-03-22. Review status: criteria provided, single submitter. Criteria: Invitae Variant Classification Sherloc (09022015). Collection method: clinical testing. Allele origin: germline.